The following is an entry in ClinVar:

ClinVar aggregate classification (germline): Likely benign. Review status: criteria provided, multiple submitters, no conflicts (2 of 4 stars). 2 submissions from 2 submitters: Likely benign (2). Last evaluated 2025-12-13.

Conditions:
Charcot-Marie-Tooth disease type 2. Also called: Charcot-Marie-Tooth type 2. Identifiers: Orphanet 64746, MedGen C0270914, MONDO:0018993.

Submissions (2):

Labcorp Genetics (formerly Invitae), Labcorp
Classification: Likely benign for Charcot-Marie-Tooth disease type 2. Last evaluated: 2025-12-13. Review status: criteria provided, single submitter. Criteria: Invitae Variant Classification Sherloc (09022015). Collection method: clinical testing. Allele origin: germline.

Women's Health and Genetics/Laboratory Corporation of America, LabCorp
Classification: Likely benign. Last evaluated: 2024-04-04. Review status: criteria provided, single submitter. Criteria: LabCorp Variant Classification Summary - May 2015. Collection method: clinical testing. Allele origin: germline.
Comment: Variant summary: AARS1 c.270G>A alters a non-conserved nucleotide resulting in a synonymous change. Consensus agreement among computation tools predict no significant impact on normal splicing. However, these predictions have yet to be confirmed by functional studies. The variant was absent in 251492 control chromosomes. The available data on variant occurrences in the general population are insufficient to allow any conclusion about variant significance. To our knowledge, no occurrence of c.270G>A in individuals affected with Developmental And Epileptic Encephalopathy, 29 and no experimental evidence demonstrating its impact on protein function have been reported. ClinVar contains an entry for this variant (Variation ID: 699653). Based on the evidence outlined above, the variant was classified as likely benign.

NM_001605.3(AARS1):c.270G>A (p.Lys90=)

Gene: AARS1 (alanyl-tRNA synthetase 1; minus strand). Cytogenetic location: 16q22.1.
Variant type: single nucleotide variant.
Coding change: c.270G>A on transcript NM_001605.3 (MANE Select); coding-DNA position 270, G replaced by A.
Protein change: p.Lys90=; no amino-acid change (lysine 90 retained).
Molecular consequence: synonymous variant.
Genome position (GRCh38, 1-based): chr16:70,277,029, C>T on the plus strand (G>A on the coding strand, the complement: AARS1 is on the minus strand). VCF-style: chr16-70277029-C-T. GRCh37 (hg19) VCF-style: chr16-70310932-C-T.
Identifiers: ClinVar variation 699653 (VCV000699653.10), dbSNP rs1597446213, ClinGen allele CA496213484.